The following is an entry in ClinVar:

ClinVar aggregate classification (germline): Uncertain significance. Review status: criteria provided, multiple submitters, no conflicts (2 of 4 stars). 3 submissions from 3 submitters: Uncertain significance (3). Last evaluated 2022-07-12.

Conditions:
Inborn genetic diseases. Identifiers: MedGen C0950123, MeSH D030342.

Allele frequency attached by ClinVar (database versions not stated): gnomAD exomes 0.00009 and 0.00021; gnomAD 0.00011 and 0.00012; TOPMed 0.00011; ExAC 0.00018.
gnomAD v4.1: 309 of 1,586,430 alleles (0.019%); highest among the groups gnomAD compares: Non-Finnish European, 0.025%; no homozygotes.

Submissions (3):

Labcorp Genetics (formerly Invitae), Labcorp
Classification: Uncertain significance. Last evaluated: 2022-07-12. Review status: criteria provided, single submitter. Criteria: Invitae Variant Classification Sherloc (09022015). Collection method: clinical testing. Allele origin: germline.
Comment: This sequence change replaces arginine, which is basic and polar, with tryptophan, which is neutral and slightly polar, at codon 60 of the C1QA protein (p.Arg60Trp). This variant is present in population databases (rs748582147, gnomAD 0.02%). This variant has not been reported in the literature in individuals affected with C1QA-related conditions. ClinVar contains an entry for this variant (Variation ID: 1373148). Algorithms developed to predict the effect of missense changes on protein structure and function are either unavailable or do not agree on the potential impact of this missense change (SIFT: "Deleterious"; PolyPhen-2: "Benign"; Align-GVGD: "Class C0"). In summary, the available evidence is currently insufficient to determine the role of this variant in disease. Therefore, it has been classified as a Variant of Uncertain Significance.

Ambry Genetics
Classification: Uncertain significance for Inborn genetic diseases. Last evaluated: 2021-08-16. Review status: criteria provided, single submitter. Criteria: Ambry Variant Classification Scheme 2023. Collection method: clinical testing. Allele origin: germline.

Breakthrough Genomics
Classification: Uncertain significance. Review status: criteria provided, single submitter. Criteria: ACMG Guidelines, 2015. Collection method: not provided. Allele origin: germline. Inheritance: Autosomal recessive inheritance. Affected: yes.

NM_015991.4(C1QA):c.178C>T (p.Arg60Trp)

Gene: C1QA (complement C1q A chain; plus strand). Cytogenetic location: 1p36.12.
Variant type: single nucleotide variant.
Coding change: c.178C>T on transcript NM_015991.4 (MANE Select); coding-DNA position 178, C replaced by T.
Protein change: p.Arg60Trp; replaces arginine 60 with tryptophan.
Molecular consequence: missense variant.
Genome position (GRCh38, 1-based): chr1:22,638,847, C>T. VCF-style: chr1-22638847-C-T. GRCh37 (hg19) VCF-style: chr1-22965340-C-T.
Other names: c.178C>T, p.Arg60Trp (NM_001347465.2, NM_001347466.2); c.178C>T (NM_015991.2); short protein forms R60W.
Identifiers: ClinVar variation 1373148 (VCV001373148.7), dbSNP rs748582147, ClinGen allele CA677737.